The following is an entry in ClinVar:

ClinVar aggregate classification (germline): Uncertain significance (1 of 4 stars; one submission).

Conditions:
Inborn genetic diseases. Identifiers: MedGen C0950123, MeSH D030342.

Submission:

Ambry Genetics
Classification: Uncertain significance for Inborn genetic diseases. Last evaluated: 2026-01-13. Review status: criteria provided, single submitter. Criteria: Ambry Variant Classification Scheme 2023. Collection method: clinical testing. Allele origin: germline.
Comment: The p.Y402N variant (also known as c.1204T>A), located in coding exon 7 of the ETV6 gene, results from a T to A substitution at nucleotide position 1204. The tyrosine at codon 402 is replaced by asparagine, an amino acid with dissimilar properties. This amino acid position is conserved. In addition, this alteration is predicted to be deleterious by in silico analysis. Based on the available evidence, the clinical significance of this variant remains unclear.

NM_001987.5(ETV6):c.1204T>A (p.Tyr402Asn)

Gene: ETV6 (ETS variant transcription factor 6; plus strand). Cytogenetic location: 12p13.2.
Variant type: single nucleotide variant.
Coding change: c.1204T>A on transcript NM_001987.5 (MANE Select); coding-DNA position 1204, T replaced by A.
Protein change: p.Tyr402Asn; replaces tyrosine 402 with asparagine.
Molecular consequence: missense variant. On other transcripts: intron variant (1).
Genome position (GRCh38, 1-based): chr12:11,885,977, T>A. VCF-style: chr12-11885977-T-A. GRCh37 (hg19) VCF-style: chr12-12038911-T-A.
Other names: c.1201T>A, p.Tyr401Asn (NM_001413913.1); c.1177T>A, p.Tyr393Asn (NM_001413914.1); c.940T>A, p.Tyr314Asn (NM_001413915.1); c.1010-4964T>A (NM_001413917.1); short protein forms Y314N, Y393N, Y402N, Y401N.
Identifiers: ClinVar variation 4842530 (VCV004842530.1).